The following is an entry in ClinVar:

NM_198252.3(GSN):c.703G>A (p.Asp235Asn)

Gene: GSN (gelsolin; plus strand). Cytogenetic location: 9q33.2.
Variant type: single nucleotide variant.
Coding change: c.703G>A on transcript NM_198252.3 (MANE Select); coding-DNA position 703, G replaced by A.
Protein change: p.Asp235Asn; replaces aspartic acid 235 with asparagine.
Molecular consequence: missense variant.
Genome position (GRCh38, 1-based): chr9:121,313,973, G>A. VCF-style: chr9-121313973-G-A. GRCh37 (hg19) VCF-style: chr9-124076251-G-A.
Other names: c.856G>A, p.Asp286Asn (NM_000177.5); c.703G>A, p.Asp235Asn (NM_001127662.2, NM_001127664.2, NM_001127665.2 and 10 more transcripts); c.811G>A, p.Asp271Asn (NM_001127663.2); c.736G>A, p.Asp246Asn (NM_001127666.2, NM_001127667.2, NM_001353063.2 and 13 more transcripts); c.754G>A, p.Asp252Asn (NM_001258029.2); c.727G>A, p.Asp243Asn (NM_001258030.2); c.775G>A, p.Asp259Asn (NM_001353076.2); c.49G>A, p.Asp17Asn (NM_001353078.2); short protein forms D17N, D235N, D243N, D246N, D252N, D259N, D271N, D286N.
Identifiers: ClinVar variation 4534136 (VCV004534136.6).
Genomic context (GRCh38, chr9:121,313,973, plus strand): 5'-CCATCTCTCTATCTCCTACAGGTGCTGGGCCCCAAGCCGGCTCTGCCTGCAGGTACCGAG[G>A]ACACCGCCAAGGAGGATGCGGCCAACCGCAAGCTGGCCAAGCTCTACAAGGTGAGCACCA-3'
Protein context (NP_937895.1, residues 225-245): PKPALPAGTE[Asp235Asn]TAKEDAANRK

ClinVar aggregate classification (germline): Likely benign (1 of 4 stars; one submission).

gnomAD v4.1: 7 of 1,614,120 alleles (0.00043%); highest among the groups gnomAD compares: African/African-American, 0.0053%; no homozygotes.

Submission:

CeGaT Center for Human Genetics Tuebingen
Classification: Likely benign. Last evaluated: 2025-11-01. Review status: criteria provided, single submitter. Criteria: CeGaT Center For Human Genetics Tuebingen Variant Classification Criteria Version 2. Collection method: clinical testing. Allele origin: germline. Affected: yes. Observed: 1 variant allele.
Comment: GSN: BP4